The following is an entry in ClinVar:

ClinVar aggregate classification (germline): Uncertain significance (1 of 4 stars; one submission).

Conditions:
Macrocephaly, dysmorphic facies, and psychomotor retardation (MDFPMR). Identifiers: Orphanet 457359, MedGen C4310766, MONDO:0014863, OMIM 617011.

Allele frequency attached by ClinVar (database versions not stated): gnomAD exomes below 0.00001; TOPMed below 0.00001.
gnomAD v4.1: 1 of 1,573,504 alleles (0.000064%); highest among the groups gnomAD compares: Non-Finnish European, 0.000087%; no homozygotes.

Submission:

Baylor Genetics
Classification: Uncertain significance for Macrocephaly, dysmorphic facies, and psychomotor retardation. Last evaluated: 2018-06-21. Review status: criteria provided, single submitter. Criteria: ACMG Guidelines, 2015. Collection method: clinical testing. Allele origin: unknown. Affected: yes.
Comment: This variant was determined to be of uncertain significance according to ACMG Guidelines, 2015 [PMID:25741868].

NM_003922.4(HERC1):c.11428T>G (p.Ser3810Ala)

Gene: HERC1 (HECT and RLD domain containing E3 ubiquitin protein ligase family member 1; minus strand). Cytogenetic location: 15q22.31.
Variant type: single nucleotide variant.
Coding change: c.11428T>G on transcript NM_003922.4 (MANE Select); coding-DNA position 11428, T replaced by G.
Protein change: p.Ser3810Ala; replaces serine 3810 with alanine.
Molecular consequence: missense variant.
Genome position (GRCh38, 1-based): chr15:63,642,962, A>C on the plus strand (T>G on the coding strand, the complement: HERC1 is on the minus strand). VCF-style: chr15-63642962-A-C. GRCh37 (hg19) VCF-style: chr15-63935161-A-C.
Other names: short protein forms S3810A.
Identifiers: ClinVar variation 1031370 (VCV001031370.1), dbSNP rs1323948806, ClinGen allele CA392748252.